The following is an entry in ClinVar:

NM_152564.5(VPS13B):c.2434T>C (p.Tyr812His)

Gene: VPS13B (vacuolar protein sorting 13 homolog B; plus strand). Cytogenetic location: 8q22.2.
Variant type: single nucleotide variant.
Coding change: c.2434T>C on transcript NM_152564.5 (MANE Select); coding-DNA position 2434, T replaced by C.
Protein change: p.Tyr812His; replaces tyrosine 812 with histidine.
Molecular consequence: missense variant.
Genome position (GRCh38, 1-based): chr8:99,192,976, T>C. VCF-style: chr8-99192976-T-C. GRCh37 (hg19) VCF-style: chr8-100205204-T-C.
Other names: c.2434T>C, p.Tyr812His (NM_015243.3, NM_017890.5); c.2434T>C (NM_152564.4); short protein forms Y812H.
Identifiers: ClinVar variation 991209 (VCV000991209.2), dbSNP rs1258984174, ClinGen allele CA371861665.

ClinVar aggregate classification (germline): Uncertain significance. Review status: criteria provided, single submitter (1 of 4 stars). 2 submissions from 2 submitters: Uncertain significance (1). 1 of the submissions does not count toward it. Last evaluated 2025-09-30.

Conditions:
Cohen syndrome (COH1). Also called: PEPPER SYNDROME; Cutis verticis gyrata, retinitis pigmentosa, and sensorineural deafness. Identifiers: Orphanet 193, MedGen C0265223, MONDO:0008999, OMIM 216550.
VPS13B-related disorder. Also called: VPS13B-related condition.

Allele frequency attached by ClinVar (database versions not stated): TOPMed 0.00001; gnomAD exomes below 0.00001; gnomAD 0.00001.
gnomAD v4.1: 2 of 1,613,606 alleles (0.00012%); highest among the groups gnomAD compares: African/African-American, 0.0027%; no homozygotes.

Submissions (2):

PreventionGenetics, part of Exact Sciences
Classification: Uncertain significance for VPS13B-related condition. Last evaluated: 2025-09-30. Review status: criteria provided, single submitter. Criteria: ACMG Guidelines, 2015. Collection method: clinical testing. Allele origin: germline.
Comment: The VPS13B c.2434T>C variant is predicted to result in the amino acid substitution p.Tyr812His. To our knowledge, this variant has not been reported in the literature. This variant is reported in 0.0062% of alleles in individuals of African descent in gnomAD. At this time, the clinical significance of this variant is uncertain due to the absence of conclusive functional and genetic evidence.

Natera, Inc.
Classification: Uncertain significance for Cohen syndrome. Last evaluated: 2020-08-14. Review status: no assertion criteria provided. Collection method: clinical testing. Allele origin: germline. Not counted in ClinVar's aggregate classification.